The following is an entry in ClinVar:

NM_000143.4(FH):c.416T>G (p.Val139Gly)

Gene: FH (fumarate hydratase; minus strand). Cytogenetic location: 1q43.
Variant type: single nucleotide variant.
Coding change: c.416T>G on transcript NM_000143.4 (MANE Select); coding-DNA position 416, T replaced by G.
Protein change: p.Val139Gly; replaces valine 139 with glycine.
Molecular consequence: missense variant.
Genome position (GRCh38, 1-based): chr1:241,512,106, A>C on the plus strand (T>G on the coding strand, the complement: FH is on the minus strand). VCF-style: chr1-241512106-A-C. GRCh37 (hg19) VCF-style: chr1-241675406-A-C.
Other names: short protein forms V139G.
Identifiers: ClinVar variation 659878 (VCV000659878.7), dbSNP rs1573885528, ClinGen allele CA345440149.
Genomic context (GRCh38, chr1:241,512,106, plus strand): 5'-TTGCTAATGACTTCATTTACATTCATATTTGTCTGAGTTCCTGATCCAGTCTGCCATACC[A>C]CGAGAGGAAAATGATCATTTAATTTACCTTCAGCTACCTGCAGAAAAAATGTTAAAAATG-3'
Protein context (NP_000134.2, residues 129-149): EGKLNDHFPL[Val139Gly]VWQTGSGTQT

ClinVar aggregate classification (germline): Uncertain significance. Review status: criteria provided, multiple submitters, no conflicts (2 of 4 stars). 2 submissions from 2 submitters: Uncertain significance (2). Last evaluated 2024-07-30.

Conditions:
Hereditary cancer-predisposing syndrome. Also called: Hereditary neoplastic syndrome; Neoplastic Syndromes, Hereditary; Hereditary Cancer Syndrome; Tumor predisposition. Identifiers: Orphanet 140162, MedGen C0027672, MeSH D009386, MONDO:0015356.

Allele frequency attached by ClinVar (database versions not stated): gnomAD exomes below 0.00001.
gnomAD v4.1: 2 of 1,613,910 alleles (0.00012%); highest among the groups gnomAD compares: Non-Finnish European, 0.00017%; no homozygotes.

Submissions (2):

Labcorp Genetics (formerly Invitae), Labcorp
Classification: Uncertain significance. Last evaluated: 2024-07-30. Review status: criteria provided, single submitter. Criteria: Invitae Variant Classification Sherloc (09022015). Collection method: clinical testing. Allele origin: germline.
Comment: This sequence change replaces valine, which is neutral and non-polar, with glycine, which is neutral and non-polar, at codon 139 of the FH protein (p.Val139Gly). This variant is not present in population databases (gnomAD no frequency). This variant has not been reported in the literature in individuals affected with FH-related conditions. ClinVar contains an entry for this variant (Variation ID: 659878). Advanced modeling of protein sequence and biophysical properties (such as structural, functional, and spatial information, amino acid conservation, physicochemical variation, residue mobility, and thermodynamic stability) performed at Invitae indicates that this missense variant is expected to disrupt FH protein function with a positive predictive value of 95%. In summary, the available evidence is currently insufficient to determine the role of this variant in disease. Therefore, it has been classified as a Variant of Uncertain Significance.

Ambry Genetics
Classification: Uncertain significance for Hereditary cancer-predisposing syndrome. Last evaluated: 2023-11-13. Review status: criteria provided, single submitter. Criteria: Ambry Variant Classification Scheme 2023. Collection method: clinical testing. Allele origin: germline.
Comment: The p.V139G variant (also known as c.416T>G), located in coding exon 4 of the FH gene, results from a T to G substitution at nucleotide position 416. The valine at codon 139 is replaced by glycine, an amino acid with dissimilar properties. This amino acid position is highly conserved in available vertebrate species. In addition, this alteration is predicted to be deleterious by in silico analysis. Since supporting evidence is limited at this time, the clinical significance of this alteration remains unclear.